The following is an entry in ClinVar:

ClinVar aggregate classification (germline): Uncertain significance (1 of 4 stars; one submission).

Submission:

Ambry Genetics
Classification: Uncertain significance. Last evaluated: 2024-02-20. Review status: criteria provided, single submitter. Criteria: Ambry Variant Classification Scheme 2023. Collection method: clinical testing. Allele origin: germline.
Comment: The p.V136L variant (also known as c.406G>C), located in coding exon 4 of the RECQL gene, results from a G to C substitution at nucleotide position 406. The valine at codon 136 is replaced by leucine, an amino acid with highly similar properties. This amino acid position is conserved. In addition, the in silico prediction for this alteration is inconclusive. Based on the available evidence, the clinical significance of this alteration remains unclear.

NM_002907.4(RECQL):c.406G>C (p.Val136Leu)

Gene: RECQL (RecQ like helicase; minus strand). Cytogenetic location: 12p12.1.
Variant type: single nucleotide variant.
Coding change: c.406G>C on transcript NM_002907.4 (MANE Select); coding-DNA position 406, G replaced by C.
Protein change: p.Val136Leu; replaces valine 136 with leucine.
Molecular consequence: missense variant.
Genome position (GRCh38, 1-based): chr12:21,486,574, C>G on the plus strand (G>C on the coding strand, the complement: RECQL is on the minus strand). VCF-style: chr12-21486574-C-G. GRCh37 (hg19) VCF-style: chr12-21639508-C-G.
Other names: c.406G>C, p.Val136Leu (NM_032941.3); short protein forms V136L.
Identifiers: ClinVar variation 3222970 (VCV003222970.1), dbSNP rs138278747, ClinGen allele CA384130394.